The following is an entry in ClinVar:

ClinVar aggregate classification (germline): Pathogenic (1 of 4 stars; one submission).

Conditions:
Hereditary cancer-predisposing syndrome. Also called: Tumor predisposition; Hereditary Cancer Syndrome; Neoplastic Syndromes, Hereditary; Hereditary neoplastic syndrome. Identifiers: Orphanet 140162, MedGen C0027672, MeSH D009386, MONDO:0015356.

Submission:

Ambry Genetics
Classification: Pathogenic for Hereditary cancer-predisposing syndrome. Last evaluated: 2018-10-11. Review status: criteria provided, single submitter. Criteria: Ambry Variant Classification Scheme 2023. Collection method: clinical testing. Allele origin: germline.
Comment: The p.K314* pathogenic mutation (also known as c.940A>T), located in coding exon 9 of the BRCA2 gene, results from an A to T substitution at nucleotide position 940. This changes the amino acid from a lysine to a stop codon within coding exon 9. This alteration is expected to result in loss of function by premature protein truncation or nonsense-mediated mRNA decay. As such, this alteration is interpreted as a disease-causing mutation.

NM_000059.4(BRCA2):c.940A>T (p.Lys314Ter)

Gene: BRCA2 (BRCA2 DNA repair associated; plus strand). Cytogenetic location: 13q13.1.
Variant type: single nucleotide variant.
Coding change: c.940A>T on transcript NM_000059.4 (MANE Select); coding-DNA position 940, A replaced by T.
Protein change: p.Lys314Ter; replaces lysine 314 with a stop codon.
Molecular consequence: nonsense.
Genome position (GRCh38, 1-based): chr13:32,332,418, A>T. VCF-style: chr13-32332418-A-T. GRCh37 (hg19) VCF-style: chr13-32906555-A-T.
Other names: short protein forms K314*.
Identifiers: ClinVar variation 823222 (VCV000823222.4), dbSNP rs1593891539, ClinGen allele CA387760807.